The following is an entry in ClinVar:

NM_006384.4(CIB1):c.87-40C>T

Gene: CIB1 (calcium and integrin binding 1; minus strand). Cytogenetic location: 15q26.1.
Variant type: single nucleotide variant.
Coding change: c.87-40C>T on transcript NM_006384.4 (MANE Select); 40 bases into the intron before coding-DNA position 87, C replaced by T.
Molecular consequence: intron variant. On other transcripts: missense variant (1).
Genome position (GRCh38, 1-based): chr15:90,232,367, G>A on the plus strand (C>T on the coding strand, the complement: CIB1 is on the minus strand). VCF-style: chr15-90232367-G-A. GRCh37 (hg19) VCF-style: chr15-90775599-G-A.
Other names: c.167C>T, p.Pro56Leu (NM_001277764.2); short protein forms P56L.
Identifiers: ClinVar variation 1356225 (VCV001356225.6), dbSNP rs145112624, ClinGen allele CA7734336.

ClinVar aggregate classification (germline): Conflicting classifications of pathogenicity. Review status: criteria provided, conflicting classifications (1 of 4 stars). 2 submissions from 2 submitters: Uncertain significance (1); Likely benign (1). Last evaluated 2025-10-20.

Allele frequency attached by ClinVar (database versions not stated): gnomAD 0.00005 and 0.00009; TOPMed 0.00007; ExAC 0.00016; gnomAD exomes 0.00016; 1000 Genomes Project 30x 0.00047; 1000 Genomes Project 0.00060.
gnomAD v4.1: 113 of 1,567,960 alleles (0.0072%); highest among the groups gnomAD compares: East Asian, 0.21%; no homozygotes.

Submissions (2):

Labcorp Genetics (formerly Invitae), Labcorp
Classification: Uncertain significance. Last evaluated: 2025-10-20. Review status: criteria provided, single submitter. Criteria: Invitae Variant Classification Sherloc (09022015). Collection method: clinical testing. Allele origin: germline.
Comment: This sequence change replaces proline, which is neutral and non-polar, with leucine, which is neutral and non-polar, at codon 56 of the CIB1 protein (p.Pro56Leu). This variant is present in population databases (rs145112624, gnomAD 0.2%). This variant has not been reported in the literature in individuals affected with CIB1-related conditions. ClinVar contains an entry for this variant (Variation ID: 1356225). An algorithm developed to predict the effect of missense changes on protein structure and function outputs the following: PolyPhen-2: "Not Available". The leucine amino acid residue is found in multiple mammalian species, which suggests that this missense change does not adversely affect protein function. In summary, the available evidence is currently insufficient to determine the role of this variant in disease. Therefore, it has been classified as a Variant of Uncertain Significance.

Blueprint Genetics
Classification: Likely benign. Last evaluated: 2024-03-21. Review status: criteria provided, single submitter. Criteria: ACMG Guidelines, 2015. Collection method: clinical testing. Allele origin: germline.